The following is an entry in ClinVar:

NM_001174147.2(LMX1B):c.1051+2T>C

Gene: LMX1B (LIM homeobox transcription factor 1 beta; plus strand). Cytogenetic location: 9q33.3.
Variant type: single nucleotide variant.
Coding change: c.1051+2T>C on transcript NM_001174147.2 (MANE Select); the canonical splice donor site of the intron after coding-DNA position 1051, T replaced by C.
Molecular consequence: splice donor variant. On other transcripts: intron variant (2).
Genome position (GRCh38, 1-based): chr9:126,696,005, T>C. VCF-style: chr9-126696005-T-C. GRCh37 (hg19) VCF-style: chr9-129458284-T-C.
Other names: c.1063+23T>C (NM_001174146.2); c.1030+23T>C (NM_002316.4).
Identifiers: ClinVar variation 3382498 (VCV003382498.2).
Genomic context (GRCh38, chr9:126,696,005, plus strand): 5'-CCCCTTCCAGCAGGGCCTCACGCCGCCCCAAATGCCAGGTGACCACATGAACCCCTATGG[T>C]AAGCCGCCCTACCCCCACCCGCCCGCCCCAGCACAGCCCCTGCCCCCTGCCAGGCCAGGC-3'

ClinVar aggregate classification (germline): Uncertain significance (1 of 4 stars; one submission).

Conditions:
Nail-patella syndrome (NPS). Also called: FONG DISEASE; ONYCHOOSTEODYSPLASIA; TURNER-KIESER SYNDROME. Identifiers: Orphanet 2614, MedGen C0027341, MONDO:0008061, OMIM 161200.
Nail-patella-like renal disease. Also called: GLOMERULAR BASEMENT MEMBRANE DISEASE, NAIL-PATELLA SYNDROME TYPE; Focal Segmental Glomerulosclerosis 10. Identifiers: Orphanet 2613, MedGen C0403548, MONDO:0009724, OMIM 256020.

gnomAD v4.1: 1 of 1,593,070 alleles (0.000063%); highest among the groups gnomAD compares: Non-Finnish European, 0.000085%; no homozygotes.

Submission:

Juno Genomics, Hangzhou Juno Genomics, Inc
Classification: Uncertain significance for Nail-patella-like renal disease; Nail-patella syndrome. Review status: criteria provided, single submitter. Criteria: ACMG Guidelines, 2015. Collection method: clinical testing. Allele origin: germline. Affected: yes.
Comment: Absent from controls (or at extremely low frequency if recessive) in Genome Aggregation Database, Exome Sequencing Project, 1000 Genomes Project, or Exome Aggregation Consortium.;Null variant in a gene where loss of function (LOF) is a known mechanism of disease.